The following is an entry in ClinVar:

NM_001134407.3(GRIN2A):c.1069G>A (p.Val357Met)

Gene: GRIN2A (glutamate ionotropic receptor NMDA type subunit 2A; minus strand). Cytogenetic location: 16p13.2.
Variant type: single nucleotide variant.
Coding change: c.1069G>A on transcript NM_001134407.3 (MANE Select); coding-DNA position 1069, G replaced by A.
Protein change: p.Val357Met; replaces valine 357 with methionine.
Molecular consequence: missense variant.
Genome position (GRCh38, 1-based): chr16:9,891,039, C>T on the plus strand (G>A on the coding strand, the complement: GRIN2A is on the minus strand). VCF-style: chr16-9891039-C-T. GRCh37 (hg19) VCF-style: chr16-9984896-C-T.
Other names: c.1069G>A, p.Val357Met (NM_000833.5, NM_001134408.2); short protein forms V357M.
Identifiers: ClinVar variation 513431 (VCV000513431.14), dbSNP rs78929970, ClinGen allele CA278188161.
Genomic context (GRCh38, chr16:9,891,039, plus strand): 5'-TGCTCACCTTTTCCCATTCCCGGTCTTTGTTCAGCACAATCACCACCAGCCTGGGGTGCA[C>T]CTGGTAGCCTTCCTCAGTGAAGGATAAGTCTTTGCCATCCCATGTAACATTGACCATAAA-3'
Protein context (NP_001127879.1, residues 347-367): DLSFTEEGYQ[Val357Met]HPRLVVIVLN

ClinVar aggregate classification (germline): Conflicting classifications of pathogenicity. Review status: criteria provided, conflicting classifications (1 of 4 stars). 3 submissions from 3 submitters: Uncertain significance (1); Likely benign (2). Last evaluated 2025-03-23.

Conditions:
Landau-Kleffner syndrome (FESD). Also called: EPILEPSY, FOCAL, WITH SPEECH DISORDER AND WITH OR WITHOUT MENTAL RETARDATION; APHASIA, ACQUIRED, WITH EPILEPSY. Identifiers: Orphanet 1945, Orphanet 725, Orphanet 98818, MedGen C0282512, MONDO:0009509, OMIM 245570.

Allele frequency attached by ClinVar (database versions not stated): gnomAD exomes below 0.00001 and 0.00001; gnomAD 0.00001.

Submissions (3):

Labcorp Genetics (formerly Invitae), Labcorp
Classification: Likely benign for Landau-Kleffner syndrome. Last evaluated: 2025-03-23. Review status: criteria provided, single submitter. Criteria: Invitae Variant Classification Sherloc (09022015). Collection method: clinical testing. Allele origin: germline.

GeneDx
Classification: Likely benign. Last evaluated: 2017-11-28. Review status: criteria provided, single submitter. Criteria: GeneDx Variant Classification (06012015). Collection method: clinical testing. Allele origin: germline. Affected: yes.
Comment: This variant is considered likely benign or benign based on one or more of the following criteria: it is a conservative change, it occurs at a poorly conserved position in the protein, it is predicted to be benign by multiple in silico algorithms, and/or has population frequency not consistent with disease.

Eurofins Ntd Llc (ga)
Classification: Uncertain significance. Last evaluated: 2017-07-31. Review status: criteria provided, single submitter. Criteria: EGL Classification Definitions 2015. Collection method: clinical testing. Allele origin: germline. Observed: 2 variant alleles, 2 heterozygotes.